The following is an entry in ClinVar:

NM_001267550.2(TTN):c.42486T>C (p.Val14162=)

Gene: TTN (titin; minus strand). Cytogenetic location: 2q31.2.
Variant type: single nucleotide variant.
Coding change: c.42486T>C on transcript NM_001267550.2 (MANE Select); coding-DNA position 42486, T replaced by C.
Protein change: p.Val14162=; no amino-acid change (valine 14162 retained).
Molecular consequence: synonymous variant.
Genome position (GRCh38, 1-based): chr2:178,634,013, A>G on the plus strand (T>C on the coding strand, the complement: TTN is on the minus strand). VCF-style: chr2-178634013-A-G. GRCh37 (hg19) VCF-style: chr2-179498740-A-G.
Other names: c.15867T>C, p.Val5289= (NM_133437.4); c.37563T>C, p.Val12521= (NM_001256850.1); c.15291T>C, p.Val5097= (NM_003319.4); c.34782T>C, p.Val11594= (NM_133378.4); c.15666T>C, p.Val5222= (NM_133432.3).
Identifiers: ClinVar variation 390939 (VCV000390939.4), dbSNP rs763151045, ClinGen allele CA1996064.

ClinVar aggregate classification (germline): Likely benign. Review status: criteria provided, multiple submitters, no conflicts (2 of 4 stars). 2 submissions from 2 submitters: Likely benign (2). Last evaluated 2023-03-14.

Conditions:
Dilated cardiomyopathy 1G (CMD1G). Identifiers: Orphanet 154, MedGen C1858763, MONDO:0011400, OMIM 604145.
Autosomal recessive limb-girdle muscular dystrophy type 2J (LGMDR10). Also called: MUSCULAR DYSTROPHY, LIMB-GIRDLE, AUTOSOMAL RECESSIVE 10; Limb-girdle muscular dystrophy, type 2J. Identifiers: Orphanet 140922, MedGen C1837342, MONDO:0012127, OMIM 608807.

Allele frequency attached by ClinVar (database versions not stated): gnomAD exomes below 0.00001 and 0.00001; ExAC 0.00002.
gnomAD v4.1: 3 of 1,613,354 alleles (0.00019%); highest among the groups gnomAD compares: Admixed American, 0.0033%; no homozygotes.

Submissions (2):

Labcorp Genetics (formerly Invitae), Labcorp
Classification: Likely benign for Dilated cardiomyopathy 1G; Autosomal recessive limb-girdle muscular dystrophy type 2J. Last evaluated: 2023-03-14. Review status: criteria provided, single submitter. Criteria: Invitae Variant Classification Sherloc (09022015). Collection method: clinical testing. Allele origin: germline.

GeneDx
Classification: Likely benign. Last evaluated: 2016-11-21. Review status: criteria provided, single submitter. Criteria: GeneDx Variant Classification (06012015). Collection method: clinical testing. Allele origin: germline. Affected: yes.
Comment: This variant is considered likely benign or benign based on one or more of the following criteria: it is a conservative change, it occurs at a poorly conserved position in the protein, it is predicted to be benign by multiple in silico algorithms, and/or has population frequency not consistent with disease.